The following is an entry in ClinVar:

ClinVar aggregate classification (germline): Uncertain significance. Review status: criteria provided, multiple submitters, no conflicts (2 of 4 stars). 3 submissions from 3 submitters: Uncertain significance (3). Last evaluated 2024-05-10.

Conditions:
Spermatogenic failure 28. Identifiers: MedGen C4748117, MONDO:0054732, OMIM 618086.
Premature ovarian failure 15. Identifiers: MedGen C4748170, MONDO:0054862, OMIM 618096.
Fanconi anemia (FA). Also called: Fanconi's anemia. Identifiers: Orphanet 84, MedGen C0015625, MeSH D005199, MONDO:0019391.

Allele frequency attached by ClinVar (database versions not stated): gnomAD 0.00001 and 0.00002; ExAC 0.00002; gnomAD exomes 0.00002; TOPMed 0.00002; ESP Exome Variant Server 0.00008.

Submissions (3):

GeneDx
Classification: Uncertain significance. Last evaluated: 2024-05-10. Review status: criteria provided, single submitter. Criteria: GeneDx Variant Classification Process June 2021. Collection method: clinical testing. Allele origin: germline. Affected: yes.
Comment: Not observed at significant frequency in large population cohorts (gnomAD); In silico analysis indicates that this missense variant does not alter protein structure/function; Has not been previously published as pathogenic or benign to our knowledge

Fulgent Genetics
Classification: Uncertain significance for Spermatogenic failure 28; Premature ovarian failure 15. Last evaluated: 2024-03-28. Review status: criteria provided, single submitter. Criteria: ACMG Guidelines, 2015. Collection method: clinical testing. Allele origin: germline.

Labcorp Genetics (formerly Invitae), Labcorp
Classification: Uncertain significance for Fanconi anemia. Last evaluated: 2022-10-05. Review status: criteria provided, single submitter. Criteria: Invitae Variant Classification Sherloc (09022015). Collection method: clinical testing. Allele origin: germline.
Comment: In summary, the available evidence is currently insufficient to determine the role of this variant in disease. Therefore, it has been classified as a Variant of Uncertain Significance. Algorithms developed to predict the effect of missense changes on protein structure and function are either unavailable or do not agree on the potential impact of this missense change (SIFT: "Deleterious"; PolyPhen-2: "Benign"; Align-GVGD: "Class C0"). ClinVar contains an entry for this variant (Variation ID: 945326). This variant has not been reported in the literature in individuals affected with FANCM-related conditions. This variant is present in population databases (rs150574630, gnomAD 0.004%). This sequence change replaces arginine, which is basic and polar, with cysteine, which is neutral and slightly polar, at codon 422 of the FANCM protein (p.Arg422Cys).

NM_020937.4(FANCM):c.1264C>T (p.Arg422Cys)

Gene: FANCM (FA complementation group M; plus strand). Cytogenetic location: 14q21.2.
Variant type: single nucleotide variant.
Coding change: c.1264C>T on transcript NM_020937.4 (MANE Select); coding-DNA position 1264, C replaced by T.
Protein change: p.Arg422Cys; replaces arginine 422 with cysteine.
Molecular consequence: missense variant.
Genome position (GRCh38, 1-based): chr14:45,154,777, C>T. VCF-style: chr14-45154777-C-T. GRCh37 (hg19) VCF-style: chr14-45623980-C-T.
Other names: c.1186C>T, p.Arg396Cys (NM_001308133.2); c.1264C>T, p.Arg422Cys (NM_001308134.2); short protein forms R396C, R422C.
Identifiers: ClinVar variation 945326 (VCV000945326.7), dbSNP rs150574630, ClinGen allele CA7168979.
Genomic context (GRCh38, chr14:45,154,777, plus strand): 5'-GAACTTGGCCGAAATGAAGACTTCATGAAACTCTATAATCATCTAGAGTGTATGTTTGCA[C>T]GTACACGTAGTACTTCAGCAAATGGTATTTCTGCTATCCAACAAGGTCTGGTTTTTCTTT-3'
Protein context (NP_065988.1, residues 412-432): LYNHLECMFA[Arg422Cys]TRSTSANGIS